The following is an entry in ClinVar:

ClinVar aggregate classification (germline): Likely pathogenic (1 of 4 stars; one submission).

Conditions:
Bartter syndrome. Identifiers: Orphanet 112, MedGen C0004775, MONDO:0015231.

Submission:

Natera, Inc.
Classification: Likely pathogenic for Bartter syndrome. Last evaluated: 2024-10-02. Review status: criteria provided, single submitter. Criteria: Natera Variant Classification Schema (03/2026). Collection method: clinical testing. Allele origin: germline.
Comment: The c.466del variant in BSND is a frameshift variant predicted to shift the reading frame beginning at codon 156 and leads to a stop codon 22 codons downstream. This variant is expected to result in nonsense mediated decay, truncation, or a dysfunctional protein product. This variant is rare in the general population with a frequency below the threshold expected for the associated phenotype(s). Given the available evidence, this variant is classified as Likely Pathogenic.

NM_057176.3(BSND):c.466del (p.Ala156fs)

Gene: BSND (barttin CLCNK type accessory subunit beta; plus strand). Cytogenetic location: 1p32.3.
Variant type: Deletion.
Coding change: c.466del on transcript NM_057176.3 (MANE Select); coding-DNA position 466, one base deleted (G; older notation c.466delG).
Protein change: p.Ala156fs; shifts the reading frame from alanine 156.
Molecular consequence: frameshift variant.
Genome position (GRCh38, 1-based): chr1:55,007,190, G deleted; the last of 2 consecutive G bases (chr1:55,007,189-55,007,190); deleting either gives the same sequence. VCF-style (leftmost placement, unchanged base first): chr1-55007188-AG-A. GRCh37 (hg19) VCF-style: chr1-55472861-AG-A.
Other names: short protein forms A156fs.
Identifiers: ClinVar variation 4816448 (VCV004816448.1).